The following is an entry in ClinVar:

NM_181458.4(PAX3):c.811C>G (p.Arg271Gly)

Gene: PAX3 (paired box 3; minus strand). Cytogenetic location: 2q36.1.
Variant type: single nucleotide variant.
Coding change: c.811C>G on transcript NM_181458.4 (MANE Select); coding-DNA position 811, C replaced by G.
Protein change: p.Arg271Gly; replaces arginine 271 with glycine.
Molecular consequence: missense variant.
Genome position (GRCh38, 1-based): chr2:222,221,369, G>C on the plus strand (C>G on the coding strand, the complement: PAX3 is on the minus strand). VCF-style: chr2-222221369-G-C. GRCh37 (hg19) VCF-style: chr2-223086088-G-C.
Other names: c.811C>G, p.Arg271Gly (NM_181461.4, NM_181457.4, NM_181459.4 and 1 more transcripts); c.808C>G, p.Arg270Gly (NM_001127366.3); short protein forms R271G, R270G.
Identifiers: ClinVar variation 4747138 (VCV004747138.1).

ClinVar aggregate classification (germline): Pathogenic (1 of 4 stars; one submission).

Submission:

Labcorp Genetics (formerly Invitae), Labcorp
Classification: Pathogenic. Last evaluated: 2025-06-04. Review status: criteria provided, single submitter. Criteria: Invitae Variant Classification Sherloc (09022015). Collection method: clinical testing. Allele origin: germline.
Comment: This sequence change replaces arginine, which is basic and polar, with glycine, which is neutral and non-polar, at codon 271 of the PAX3 protein (p.Arg271Gly). This variant is not present in population databases (gnomAD no frequency). This missense change has been observed in individual(s) with autosomal dominant Waardenburg syndrome (PMID: 7825605). It has also been observed to segregate with disease in related individuals. Invitae Evidence Modeling of protein sequence and biophysical properties (such as structural, functional, and spatial information, amino acid conservation, physicochemical variation, residue mobility, and thermodynamic stability) indicates that this missense variant is expected to disrupt PAX3 protein function with a positive predictive value of 80%. This variant disrupts the p.Arg271 amino acid residue in PAX3. Other variant(s) that disrupt this residue have been determined to be pathogenic (PMID: 8589691, 9654197, 20478267). This suggests that this residue is clinically significant, and that variants that disrupt this residue are likely to be disease-causing. For these reasons, this variant has been classified as Pathogenic.

Literature cited by the submitters: PubMed 7825605; PubMed 8589691; PubMed 9654197; PubMed 20478267.